The following is an entry in ClinVar:

NM_004304.5(ALK):c.43T>A (p.Ser15Thr)

Gene: ALK (ALK receptor tyrosine kinase; minus strand). Cytogenetic location: 2p23.1.
Variant type: single nucleotide variant.
Coding change: c.43T>A on transcript NM_004304.5 (MANE Select); coding-DNA position 43, T replaced by A.
Protein change: p.Ser15Thr; replaces serine 15 with threonine.
Molecular consequence: missense variant.
Genome position (GRCh38, 1-based): chr2:29,920,617, A>T on the plus strand (T>A on the coding strand, the complement: ALK is on the minus strand). VCF-style: chr2-29920617-A-T. GRCh37 (hg19) VCF-style: chr2-30143483-A-T.
Other names: short protein forms S15T.
Identifiers: ClinVar variation 1740323 (VCV001740323.7), dbSNP rs1667971233, ClinGen allele CA346590797.

ClinVar aggregate classification (germline): Uncertain significance. Review status: criteria provided, multiple submitters, no conflicts (2 of 4 stars). 2 submissions from 2 submitters: Uncertain significance (2). Last evaluated 2022-10-17.

Conditions:
Hereditary cancer-predisposing syndrome. Also called: Neoplastic Syndromes, Hereditary; Tumor predisposition; Hereditary Cancer Syndrome; Hereditary neoplastic syndrome. Identifiers: Orphanet 140162, MedGen C0027672, MeSH D009386, MONDO:0015356.
Neuroblastoma, susceptibility to, 3. Also called: ALK-Related Neuroblastic Tumor Susceptibility. Identifiers: Orphanet 635, MedGen C2751681, MONDO:0013083, OMIM 613014.

Submissions (2):

Labcorp Genetics (formerly Invitae), Labcorp
Classification: Uncertain significance for Neuroblastoma, susceptibility to, 3. Last evaluated: 2022-10-17. Review status: criteria provided, single submitter. Criteria: Invitae Variant Classification Sherloc (09022015). Collection method: clinical testing. Allele origin: germline.
Comment: This sequence change replaces serine, which is neutral and polar, with threonine, which is neutral and polar, at codon 15 of the ALK protein (p.Ser15Thr). This variant is not present in population databases (gnomAD no frequency). This variant has not been reported in the literature in individuals affected with ALK-related conditions. Algorithms developed to predict the effect of missense changes on protein structure and function (SIFT, PolyPhen-2, Align-GVGD) all suggest that this variant is likely to be tolerated. In summary, the available evidence is currently insufficient to determine the role of this variant in disease. Therefore, it has been classified as a Variant of Uncertain Significance.

Ambry Genetics
Classification: Uncertain significance for Hereditary cancer-predisposing syndrome. Last evaluated: 2022-10-12. Review status: criteria provided, single submitter. Criteria: Ambry Variant Classification Scheme 2023. Collection method: clinical testing. Allele origin: germline.
Comment: The p.S15T variant (also known as c.43T>A), located in coding exon 1 of the ALK gene, results from a T to A substitution at nucleotide position 43. The serine at codon 15 is replaced by threonine, an amino acid with similar properties. This amino acid position is conserved. In addition, this alteration is predicted to be tolerated by in silico analysis. Since supporting evidence is limited at this time, the clinical significance of this alteration remains unclear.